The following is an entry in ClinVar:

ClinVar aggregate classification (germline): Pathogenic (1 of 4 stars; one submission).

Submission:

Quest Diagnostics Nichols Institute San Juan Capistrano
Classification: Pathogenic. Last evaluated: 2024-04-29. Review status: criteria provided, single submitter. Criteria: ACMG/ClinGen CNV Guidelines, 2019. Collection method: clinical testing. Allele origin: unknown.
Comment: This terminal deletion involves 32 protein-coding genes and falls within the larger region associated with chromosome 18q deletion syndrome (OMIM 601808; Cody 2015, Dostal 2009, Li 2021, Margarit 2012, Tassano 2016). Several genes within the current loss are proposed to be causative of phenotypes associated with 18q deletion syndrome (Eudy 2010, Feenstra 2011, Yu 2022). There are no similar copy number losses spanning this region in the general populations of the Database of Genomic Variants. Thus, based on gene content and current medical literature, this CNV is classified as pathogenic. References: Cody et al., Am J Med Genet C Semin Med Genet. 2015 Sep;169(3):265-80. PMID: 26235940; Dostal et al., J Craniomaxillofac Surg. 2009 Jul;37(5):272-5. PMID: 19157891; Eudy et al., Am J Med Genet A. 2010 Apr;152A(4):1046-8. PMID: 20358626; Feenstra et al., Am J Hum Genet. 2011 Dec 9;89(6):813-9. PMID: 22152683; Li et al., Front Genet. 2021 Sep 20;12:707411. PMID: 34616427; Margarit et al., Am J Med Genet A. 2012 Mar;158A(3):611-6. PMID: 22302430; Tassano et al., Mol Cytogenet. 2016 Oct 10;9:78. PMID: 27766118; Yu et al., BMC Med Genomics. 2022 Sep 19;15(1):199. PMID: 36123715

GRCh37/hg19 18q22.2-23(chr18:67551299-78014123)x1

Genes: ADNP2 (ADNP homeobox 2; plus strand), ATP9B (ATPase phospholipid transporting 9B (putative); plus strand), C18orf63 (chromosome 18 open reading frame 63; plus strand), CBLN2 (cerebellin 2 precursor; minus strand), CD226 (CD226 molecule; minus strand) and 28 more. Cytogenetic location: 18q22.2-23.
Variant type: copy number loss.
Change: copy number 1 (one copy instead of two) of chr18:67,551,299-78,014,123 (10.46 Mb, GRCh37 coordinates, 1-based), cytogenetic band 18q22.2-23.
Identifiers: ClinVar variation 816055 (VCV000816055.1).